The following is an entry in ClinVar:

ClinVar aggregate classification (germline): Likely benign (1 of 4 stars; one submission).

Allele frequency attached by ClinVar (database versions not stated): TOPMed 0.00001; ExAC 0.00001.
gnomAD v4.1: 3 of 1,601,400 alleles (0.00019%); highest among the groups gnomAD compares: African/African-American, 0.0013%; no homozygotes.

Submission:

Laboratory for Molecular Medicine, Mass General Brigham Personalized Medicine
Classification: Likely benign. Last evaluated: 2017-08-23. Review status: criteria provided, single submitter. Criteria: LMM Criteria. Collection method: clinical testing. Allele origin: germline. Observed: 1 variant allele.
Comment: p.Arg692Arg in exon 17 of OTOF: This variant is not expected to have clinical si gnificance because it does not alter an amino acid residue and is not located wi thin the splice consensus sequence. It has been identified in 1/3254 Finnish chr omosomes by the Exome Aggregation Consortium (ExAC, rg; dbSNP rs765368301).

NM_194248.3(OTOF):c.2074C>A (p.Arg692=)

Gene: OTOF (otoferlin; minus strand). Cytogenetic location: 2p23.3.
Variant type: single nucleotide variant.
Coding change: c.2074C>A on transcript NM_194248.3 (MANE Select); coding-DNA position 2074, C replaced by A.
Protein change: p.Arg692=; no amino-acid change (arginine 692 retained).
Molecular consequence: synonymous variant.
Genome position (GRCh38, 1-based): chr2:26,479,492, G>T on the plus strand (C>A on the coding strand, the complement: OTOF is on the minus strand). VCF-style: chr2-26479492-G-T. GRCh37 (hg19) VCF-style: chr2-26702360-G-T.
Other names: c.2074C>A, p.Arg692= (NM_001287489.2).
Identifiers: ClinVar variation 667146 (VCV000667146.4), dbSNP rs765368301, ClinGen allele CA1564078.